The following is an entry in ClinVar:

NM_000535.7(PMS2):c.878A>C (p.Asn293Thr)

Gene: PMS2 (PMS1 homolog 2, mismatch repair system component; minus strand). Cytogenetic location: 7p22.1.
Variant type: single nucleotide variant.
Coding change: c.878A>C on transcript NM_000535.7 (MANE Select); coding-DNA position 878, A replaced by C.
Protein change: p.Asn293Thr; replaces asparagine 293 with threonine.
Molecular consequence: missense variant. On other transcripts: 5 prime UTR variant (2), non-coding transcript variant (1).
Genome position (GRCh38, 1-based): chr7:5,995,559, T>G on the plus strand (A>C on the coding strand, the complement: PMS2 is on the minus strand). VCF-style: chr7-5995559-T-G. GRCh37 (hg19) VCF-style: chr7-6035190-T-G.
Other names: c.473A>C, p.Asn158Thr (NM_001322003.2, NM_001322004.2, NM_001322005.2 and 2 more transcripts); c.878A>C, p.Asn293Thr (NM_001322006.2, NM_001322014.2); c.560A>C, p.Asn187Thr (NM_001322007.2, NM_001322008.2); c.-56A>C (NM_001322011.2, NM_001322012.2); c.305A>C, p.Asn102Thr (NM_001322013.2); c.569A>C, p.Asn190Thr (NM_001322015.2); short protein forms N190T, N158T, N102T, N187T, N293T.
Identifiers: ClinVar variation 964147 (VCV000964147.12), dbSNP rs1274671450, ClinGen allele CA366743438.

ClinVar aggregate classification (germline): Uncertain significance. Review status: criteria provided, multiple submitters, no conflicts (2 of 4 stars). 2 submissions from 2 submitters: Uncertain significance (2). Last evaluated 2023-09-12.

Conditions:
Hereditary cancer-predisposing syndrome. Also called: Tumor predisposition; Hereditary neoplastic syndrome; Hereditary Cancer Syndrome; Neoplastic Syndromes, Hereditary. Identifiers: Orphanet 140162, MedGen C0027672, MeSH D009386, MONDO:0015356.
Hereditary nonpolyposis colorectal neoplasms. Identifiers: MedGen C0009405, MeSH D003123.

Submissions (2):

Labcorp Genetics (formerly Invitae), Labcorp
Classification: Uncertain significance for Hereditary nonpolyposis colorectal neoplasms. Last evaluated: 2023-09-12. Review status: criteria provided, single submitter. Criteria: Invitae Variant Classification Sherloc (09022015). Collection method: clinical testing. Allele origin: germline.
Comment: Advanced modeling of protein sequence and biophysical properties (such as structural, functional, and spatial information, amino acid conservation, physicochemical variation, residue mobility, and thermodynamic stability) performed at Invitae indicates that this missense variant is expected to disrupt PMS2 protein function. This sequence change replaces asparagine, which is neutral and polar, with threonine, which is neutral and polar, at codon 293 of the PMS2 protein (p.Asn293Thr). This variant is not present in population databases (gnomAD no frequency). This variant has not been reported in the literature in individuals affected with PMS2-related conditions. ClinVar contains an entry for this variant (Variation ID: 964147). In summary, the available evidence is currently insufficient to determine the role of this variant in disease. Therefore, it has been classified as a Variant of Uncertain Significance.

Ambry Genetics
Classification: Uncertain significance for Hereditary cancer-predisposing syndrome. Last evaluated: 2019-08-30. Review status: criteria provided, single submitter. Criteria: Ambry Variant Classification Scheme 2023. Collection method: clinical testing. Allele origin: germline.
Comment: The p.N293T variant (also known as c.878A>C), located in coding exon 8 of the PMS2 gene, results from an A to C substitution at nucleotide position 878. The asparagine at codon 293 is replaced by threonine, an amino acid with similar properties. This amino acid position is highly conserved in available vertebrate species. In addition, this alteration is predicted to be deleterious by in silico analysis. Since supporting evidence is limited at this time, the clinical significance of this alteration remains unclear.